The following is an entry in ClinVar:

ClinVar aggregate classification (germline): Uncertain significance (1 of 4 stars; one submission).

Submission:

Labcorp Genetics (formerly Invitae), Labcorp
Classification: Uncertain significance. Last evaluated: 2024-03-03. Review status: criteria provided, single submitter. Criteria: Invitae Variant Classification Sherloc (09022015). Collection method: clinical testing. Allele origin: germline.
Comment: This sequence change replaces serine, which is neutral and polar, with phenylalanine, which is neutral and non-polar, at codon 549 of the POLE protein (p.Ser549Phe). This variant is not present in population databases (gnomAD no frequency). This variant has not been reported in the literature in individuals affected with POLE-related conditions. Advanced modeling of protein sequence and biophysical properties (such as structural, functional, and spatial information, amino acid conservation, physicochemical variation, residue mobility, and thermodynamic stability) performed at Invitae indicates that this missense variant is expected to disrupt POLE protein function with a positive predictive value of 80%. In summary, the available evidence is currently insufficient to determine the role of this variant in disease. Therefore, it has been classified as a Variant of Uncertain Significance.

NM_006231.4(POLE):c.1646C>T (p.Ser549Phe)

Gene: POLE (DNA polymerase epsilon, catalytic subunit; minus strand). Cytogenetic location: 12q24.33.
Variant type: single nucleotide variant.
Coding change: c.1646C>T on transcript NM_006231.4 (MANE Select); coding-DNA position 1646, C replaced by T.
Protein change: p.Ser549Phe; replaces serine 549 with phenylalanine.
Molecular consequence: missense variant.
Genome position (GRCh38, 1-based): chr12:132,672,667, G>A on the plus strand (C>T on the coding strand, the complement: POLE is on the minus strand). VCF-style: chr12-132672667-G-A. GRCh37 (hg19) VCF-style: chr12-133249253-G-A.
Other names: short protein forms S549F.
Identifiers: ClinVar variation 3644252 (VCV003644252.2).